The following is an entry in ClinVar:

ClinVar aggregate classification (germline): Pathogenic (1 of 4 stars; one submission).

Conditions:
Hereditary cancer-predisposing syndrome. Also called: Neoplastic Syndromes, Hereditary; Hereditary Cancer Syndrome; Hereditary neoplastic syndrome; Tumor predisposition. Identifiers: Orphanet 140162, MedGen C0027672, MeSH D009386, MONDO:0015356.

Submission:

Ambry Genetics
Classification: Pathogenic for Hereditary cancer-predisposing syndrome. Last evaluated: 2024-09-24. Review status: criteria provided, single submitter. Criteria: Ambry Variant Classification Scheme 2023. Collection method: clinical testing. Allele origin: germline.
Comment: The c.156_157insAlu pathogenic mutation results from an Alu element insertion between nucleotides 156 and 157 in coding exon 2 of the BRCA2 gene. This mutation results in complete skipping of coding exon 2 and, although this is an in-frame loss, multifactorial and functional analyses of intronic variants leading to complete loss of coding exon 2 in RNA have a high likelihood of pathogenicity and impair normal BRCA2 function (Caputo S et al. Oncotarget 2018 Apr;9(25):17334-17348). This mutation has been established as a Portuguese founder mutation, accounting for over one-third of all pathogenic BRCA1/2 mutations identified in HBOC families from this population (Peixoto A et al. Breast Cancer Res Treat. 2009 Mar;114(1):31-8; Peixoto A et al. Breast Cancer Res Treat. 2011 Jun;127(3):671-9). Based on the supporting evidence, this alteration is interpreted as a disease-causing mutation.

Literature cited by the submitters: PubMed 16088935; PubMed 17513806; PubMed 18363094; PubMed 20652400; PubMed 29707112; PubMed 30553478.

NM_000059.4(BRCA2):c.156_157insGCCGGGCGCGGTCGCTCACGCCTGTAATCCCAGCACTTTGGGAGGCCGAGGCGGGCGGATCACGAGGTCAGGAGATCGACACCATCCCGGCTGAAACGGTGAAACCCCGTCTCTACTAAAAATACAAAAAATTAGCCGGGCGTAGTGGCGGGCGCCTGTAGTCCCAGCTACTTGGGAGGCTGAGGCAGGAGAATGGCGTGAACCCGGGAGGCGGAGCTTGCAGTGAGCCGAGATCCCGCCACTGCACTCCAGCCTGGGCGACAGAGCGAGACTCCGCCTCA (p.Lys53delinsAlaGlyArgGlyArgSerArgLeuTer)

Gene: BRCA2 (BRCA2 DNA repair associated; plus strand). Cytogenetic location: 13q13.1.
Variant type: Insertion.
Coding change: c.156_157insGCCGGGCGCGGTCGCTCACGCCTGTAATCCCAGCACTTTGGGAGGCCGAGGCGGGCGGATCACGAGGTCAGGAGATCGACACCATCCCGGCTGAAACGGTGAAACCCCGTCTCTACTAAAAATACAAAAAATTAGCCGGGCGTAGTGGCGGGCGCCTGTAGTCCCAGCTACTTGGGAGGCTGAGGCAGGAGAATGGCGTGAACCCGGGAGGCGGAGCTTGCAGTGAGCCGAGATCCCGCCACTGCACTCCAGCCTGGGCGACAGAGCGAGACTCCGCCTCA on transcript NM_000059.4 (MANE Select); coding-DNA positions 156 to 157, GCCGGGCGCGGTCGCTCACGCCTGTAATCCCAGCACTTTGGGAGGCCGAGGCGGGCGGATCACGAGGTCAGGAGATCGACACCATCCCGGCTGAAACGGTGAAACCCCGTCTCTACTAAAAATACAAAAAATTAGCCGGGCGTAGTGGCGGGCGCCTGTAGTCCCAGCTACTTGGGAGGCTGAGGCAGGAGAATGGCGTGAACCCGGGAGGCGGAGCTTGCAGTGAGCCGAGATCCCGCCACTGCACTCCAGCCTGGGCGACAGAGCGAGACTCCGCCTCA inserted.
Protein change: p.Lys53delinsAlaGlyArgGlyArgSerArgLeuTer.
Molecular consequence: nonsense.
Genome position: GRCh38: chr13:32,319,165-32,319,166. GRCh37 (hg19): chr13:32,893,302-32,893,303.
Identifiers: ClinVar variation 479288 (VCV000479288.7), dbSNP rs1593882502, ClinGen allele CA915946927.